The following is an entry in ClinVar:

ClinVar aggregate classification (germline): Pathogenic (1 of 4 stars; one submission).

Conditions:
Myoclonic dystonia 11 (DYT11). Also called: Dystonia, alcohol responsive; Hereditary essential myoclonus; SGCE Myoclonus-Dystonia; Myoclonus-Dystonia; DYT-SGCE; Myoclonic dystonia. Identifiers: Orphanet 36899, MedGen C1834570, MONDO:0008044, OMIM 159900.

Submission:

Labcorp Genetics (formerly Invitae), Labcorp
Classification: Pathogenic for Myoclonic dystonia 11. Last evaluated: 2020-02-21. Review status: criteria provided, single submitter. Criteria: Invitae Variant Classification Sherloc (09022015). Collection method: clinical testing. Allele origin: germline.
Comment: Loss-of-function variants in SGCE are known to be pathogenic (PMID: 12821748, 15389977, 17853490, 24297365). This variant has not been reported in the literature in individuals with SGCE-related conditions. This variant is not present in population databases (ExAC no frequency). This sequence change creates a premature translational stop signal (p.Lys43Asnfs*43) in the SGCE gene. It is expected to result in an absent or disrupted protein product. For these reasons, this variant has been classified as Pathogenic.

Literature cited by the submitters: PubMed 12821748; PubMed 15389977; PubMed 17853490; PubMed 24297365.

NM_003919.3(SGCE):c.129_130delinsT (p.Lys43fs)

Genes: CASD1 (CAS1 domain sialic acid O acetyltransferase 1; plus strand), SGCE (sarcoglycan epsilon; minus strand). Cytogenetic location: 7q21.3.
Variant type: Indel.
Coding change: c.129_130delinsT on transcript NM_003919.3 (MANE Select); coding-DNA positions 129 to 130, GG replaced by T.
Protein change: p.Lys43fs; shifts the reading frame from lysine 43.
Molecular consequence: frameshift variant. On other transcripts: 5 prime UTR variant (2), intron variant (2).
Genome position (GRCh38, 1-based): chr7:94,629,821-94,629,822, CC replaced by A on the plus strand (GG replaced by T on the coding strand, the reverse complement: SGCE is on the minus strand). VCF-style: chr7-94629821-CC-A. GRCh37 (hg19) VCF-style: chr7-94259133-CC-A.
Other names: c.129_130delinsT, p.Lys43fs (NM_001099400.2, NM_001099401.2, NM_001346717.2); c.237_238delinsT, p.Lys79fs (NM_001346713.2, NM_001346715.2); c.42_43delinsT, p.Lys14fs (NM_001346719.2, NM_001362807.2); c.-145_-144delinsT (NM_001346720.2, NM_001362808.2); c.110-1463_110-1462delinsT (NM_001362809.2, NM_001301139.2); short protein forms K79fs, K14fs, K43fs.
Identifiers: ClinVar variation 969300 (VCV000969300.7), dbSNP rs1804394258, ClinGen allele CA1139660138.